The following is an entry in ClinVar:

ClinVar aggregate classification (germline): Uncertain significance. Review status: criteria provided, multiple submitters, no conflicts (2 of 4 stars). 2 submissions from 2 submitters: Uncertain significance (2). Last evaluated 2025-05-23.

Conditions:
Hereditary cancer-predisposing syndrome. Also called: Neoplastic Syndromes, Hereditary; Hereditary Cancer Syndrome; Hereditary neoplastic syndrome; Tumor predisposition. Identifiers: Orphanet 140162, MedGen C0027672, MeSH D009386, MONDO:0015356.
Parathyroid carcinoma (PRTC). Also called: CDC73-Related Parathyroid Carcinoma; Parathyroid gland carcinoma. Identifiers: Orphanet 143, MedGen C0687150, MONDO:0012004, OMIM 608266, HP:0006780.

Allele frequency attached by ClinVar (database versions not stated): gnomAD exomes below 0.00001; ExAC 0.00001; gnomAD 0.00001; TOPMed 0.00001.
gnomAD v4.1: 3 of 1,542,106 alleles (0.00019%); highest among the groups gnomAD compares: African/African-American, 0.0041%; no homozygotes.

Submissions (2):

Labcorp Genetics (formerly Invitae), Labcorp
Classification: Uncertain significance for Parathyroid carcinoma. Last evaluated: 2025-05-23. Review status: criteria provided, single submitter. Criteria: Invitae Variant Classification Sherloc (09022015). Collection method: clinical testing. Allele origin: germline.
Comment: This sequence change replaces lysine, which is basic and polar, with glutamine, which is neutral and polar, at codon 385 of the CDC73 protein (p.Lys385Gln). This variant is present in population databases (rs762203137, gnomAD 0.007%). This variant has not been reported in the literature in individuals affected with CDC73-related conditions. ClinVar contains an entry for this variant (Variation ID: 1421834). An algorithm developed to predict the effect of missense changes on protein structure and function (PolyPhen-2) suggests that this variant is likely to be disruptive. In summary, the available evidence is currently insufficient to determine the role of this variant in disease. Therefore, it has been classified as a Variant of Uncertain Significance.

Ambry Genetics
Classification: Uncertain significance for Hereditary cancer-predisposing syndrome. Last evaluated: 2024-09-04. Review status: criteria provided, single submitter. Criteria: Ambry Variant Classification Scheme 2023. Collection method: clinical testing. Allele origin: germline.
Comment: The p.K385Q variant (also known as c.1153A>C), located in coding exon 13 of the CDC73 gene, results from an A to C substitution at nucleotide position 1153. The lysine at codon 385 is replaced by glutamine, an amino acid with similar properties. This amino acid position is conserved. In addition, this alteration is predicted to be tolerated by in silico analysis. Based on the available evidence, the clinical significance of this variant remains unclear.

NM_024529.5(CDC73):c.1153A>C (p.Lys385Gln)

Gene: CDC73 (cell division cycle 73; plus strand). Cytogenetic location: 1q31.2.
Variant type: single nucleotide variant.
Coding change: c.1153A>C on transcript NM_024529.5 (MANE Select); coding-DNA position 1153, A replaced by C.
Protein change: p.Lys385Gln; replaces lysine 385 with glutamine.
Molecular consequence: missense variant.
Genome position (GRCh38, 1-based): chr1:193,212,476, A>C. VCF-style: chr1-193212476-A-C. GRCh37 (hg19) VCF-style: chr1-193181606-A-C.
Other names: c.1153A>C (NM_024529.4); short protein forms K385Q.
Identifiers: ClinVar variation 1421834 (VCV001421834.9), dbSNP rs762203137, ClinGen allele CA1303778.
Genomic context (GRCh38, chr1:193,212,476, plus strand): 5'-CCTGCAGCTACCACCTCTTTAATAACCATGCTTAATGCAAAAGACCTTCTACAGGACCTG[A>C]AGTAAGTAATTTATTAAACTATCCTGTACGTAGGATATTGAGATACCATTGGAAAATAGT-3'
Protein context (NP_078805.3, residues 375-395): LNAKDLLQDL[Lys385Gln]FVPSDEKKKQ